The following is an entry in ClinVar:

NM_001549.6(IFIT3):c.1040C>A (p.Pro347Gln)

Genes: IFIT3 (interferon induced protein with tetratricopeptide repeats 3; plus strand), LIPA (lipase A, lysosomal acid type; minus strand). Cytogenetic location: 10q23.31.
Variant type: single nucleotide variant.
Coding change: c.1040C>A on transcript NM_001549.6 (MANE Select); coding-DNA position 1040, C replaced by A.
Protein change: p.Pro347Gln; replaces proline 347 with glutamine.
Molecular consequence: missense variant.
Genome position (GRCh38, 1-based): chr10:89,339,695, C>A. VCF-style: chr10-89339695-C-A. GRCh37 (hg19) VCF-style: chr10-91099452-C-A.
Other names: c.1040C>A, p.Pro347Gln (NM_001031683.4); c.884C>A, p.Pro295Gln (NM_001289758.2, NM_001289759.2); short protein forms P295Q, P347Q.
Identifiers: ClinVar variation 3026797 (VCV003026797.22), dbSNP rs2495855190, ClinGen allele CA377532380.
Genomic context (GRCh38, chr10:89,339,695, plus strand): 5'-ATCCTCTGAATGCATACTCCGATCTCGCTGAGTTCCTGGAGACGGAATGTTATCAGACAC[C>A]ATTCAATAAGGAAGTCCCTGATGCTGAAAAGCAACAATCCCATCAGCGCTACTGCAACCT-3'
Protein context (NP_001540.2, residues 337-357): EFLETECYQT[Pro347Gln]FNKEVPDAEK

ClinVar aggregate classification (germline): Uncertain significance (1 of 4 stars; one submission).

Submission:

CeGaT Center for Human Genetics Tuebingen
Classification: Uncertain significance. Last evaluated: 2024-01-01. Review status: criteria provided, single submitter. Criteria: CeGaT Center For Human Genetics Tuebingen Variant Classification Criteria Version 2. Collection method: clinical testing. Allele origin: germline. Affected: yes. Observed: 1 variant allele.
Comment: IFIT3: PM2, BP4